The following is an entry in ClinVar:

NM_005121.3(MED13):c.5788G>C (p.Val1930Leu)

Gene: MED13 (mediator complex subunit 13; minus strand). Cytogenetic location: 17q23.2.
Variant type: single nucleotide variant.
Coding change: c.5788G>C on transcript NM_005121.3 (MANE Select); coding-DNA position 5788, G replaced by C.
Protein change: p.Val1930Leu; replaces valine 1930 with leucine.
Molecular consequence: missense variant.
Genome position (GRCh38, 1-based): chr17:61,955,562, C>G on the plus strand (G>C on the coding strand, the complement: MED13 is on the minus strand). VCF-style: chr17-61955562-C-G. GRCh37 (hg19) VCF-style: chr17-60032923-C-G.
Other names: short protein forms V1930L.
Identifiers: ClinVar variation 1311368 (VCV001311368.3), dbSNP rs2143309956, ClinGen allele CA400504039.

ClinVar aggregate classification (germline): Likely benign (1 of 4 stars; one submission).

Submission:

GeneDx
Classification: Likely benign. Last evaluated: 2023-07-06. Review status: criteria provided, single submitter. Criteria: GeneDx Variant Classification Process June 2021. Collection method: clinical testing. Allele origin: germline. Affected: yes.
Comment: In silico analysis, which includes protein predictors and evolutionary conservation, supports that this variant does not alter protein structure/function; Not observed in large population cohorts (gnomAD); Has not been previously published as pathogenic or benign to our knowledge